The following is an entry in ClinVar:

ClinVar aggregate classification (germline): Uncertain significance. Review status: criteria provided, multiple submitters, no conflicts (2 of 4 stars). 5 submissions from 5 submitters: Uncertain significance (5). Last evaluated 2025-10-28.

Conditions:
Cardiovascular phenotype. Identifiers: MedGen CN230736.
Hypertrophic cardiomyopathy. Also called: HYPERTROPHIC MYOCARDIOPATHY. Identifiers: Orphanet 217569, MedGen C0007194, MeSH D002312, MONDO:0005045, HP:0001639.

Allele frequency attached by ClinVar (database versions not stated): gnomAD exomes below 0.00001.
gnomAD v4.1: 2 of 1,599,284 alleles (0.00013%); highest among the groups gnomAD compares: Admixed American, 0.0017%; no homozygotes.

Submissions (5):

GeneDx
Classification: Uncertain significance. Last evaluated: 2025-10-28. Review status: criteria provided, single submitter. Criteria: GeneDx Variant Classification Process June 2021. Collection method: clinical testing. Allele origin: germline. Affected: yes.
Comment: Not observed at significant frequency in large population cohorts (gnomAD); In silico analysis supports that this missense variant has a deleterious effect on protein structure/function; This variant is associated with the following publications: (PMID: 33241513)

CeGaT Center for Human Genetics Tuebingen
Classification: Uncertain significance. Last evaluated: 2025-08-01. Review status: criteria provided, single submitter. Criteria: CeGaT Center For Human Genetics Tuebingen Variant Classification Criteria Version 2. Collection method: clinical testing. Allele origin: germline. Affected: yes. Observed: 1 variant allele.
Comment: MYBPC3: PM2

Labcorp Genetics (formerly Invitae), Labcorp
Classification: Uncertain significance for Hypertrophic cardiomyopathy. Last evaluated: 2025-06-11. Review status: criteria provided, single submitter. Criteria: Invitae Variant Classification Sherloc (09022015). Collection method: clinical testing. Allele origin: germline.
Comment: This sequence change replaces aspartic acid, which is acidic and polar, with valine, which is neutral and non-polar, at codon 610 of the MYBPC3 protein (p.Asp610Val). This variant is present in population databases (rs730880554, gnomAD 0.003%). This missense change has been observed in individual(s) with hypertrophic cardiomyopathy (PMID: 33241513). ClinVar contains an entry for this variant (Variation ID: 180954). An algorithm developed to predict the effect of missense changes on protein structure and function (PolyPhen-2) suggests that this variant is likely to be disruptive. This variant disrupts the p.Asp610 amino acid residue in MYBPC3. Other variant(s) that disrupt this residue have been determined to be pathogenic (PMID: 8533079, 20624503, 22361390, 25740977, 28074886, 28356264, 29032884). This suggests that this residue is clinically significant, and that variants that disrupt this residue are likely to be disease-causing. In summary, the available evidence is currently insufficient to determine the role of this variant in disease. Therefore, it has been classified as a Variant of Uncertain Significance.

All of Us Research Program, National Institutes of Health
Classification: Uncertain significance for Hypertrophic cardiomyopathy. Last evaluated: 2023-06-26. Review status: criteria provided, single submitter. Criteria: ACMG Guidelines, 2015. Collection method: clinical testing. Allele origin: germline. Inheritance: Autosomal dominant inheritance. Observed: 1 variant allele, 1 heterozygote.
Comment: This missense variant replaces aspartic acid with valine at codon 610 of the MYBPC3 protein. Computational prediction suggests that this variant may have a deleterious impact on protein structure and function (internally defined REVEL score threshold >= 0.7, PMID: 27666373). To our knowledge, functional studies have not been reported for this variant. This variant has been reported in two individuals affected with hypertrophic cardiomyopathy (PMID: 33241513). This variant has been identified in 1/222632 chromosomes in the general population by the Genome Aggregation Database (gnomAD). The available evidence is insufficient to determine the role of this variant in disease conclusively. Therefore, this variant is classified as a Variant of Uncertain Significance.

This study involves interpretation of variants in research participants for the purpose of population health screening. Participant phenotype was not available at the time of variant classification. Additional details can be found in publication PMID: 35346344, PMCID: PMC8962531

Ambry Genetics
Classification: Uncertain significance for Cardiovascular phenotype. Last evaluated: 2015-08-28. Review status: criteria provided, single submitter. Criteria: Ambry Variant Classification Scheme 2023. Collection method: clinical testing. Allele origin: germline.
Comment: The p.D610V variant (also known as c.1829A>T), located in coding exon 19 of the MYBPC3 gene, results from an A to T substitution at nucleotide position 1829. The aspartic acid at codon 610 is replaced by valine, an amino acid with highly dissimilar properties. This variant was not reported in population based cohorts in the following databases: Database of Single Nucleotide Polymorphisms (dbSNP), NHLBI Exome Sequencing Project (ESP), and 1000 Genomes Project. In the ESP, this variant was not observed in 6184 samples (12368 alleles) with coverage at this position. This amino acid position is highly conserved in available vertebrate species. In addition, this alteration is predicted to be deleterious by in silico analysis. Since supporting evidence is limited at this time, the clinical significance of this variant remains unclear.

Literature cited by the submitters: PubMed 33241513 (cited by Labcorp Genetics (formerly Invitae), Labcorp and All of Us Research Program, National Institutes of Health); PubMed 8533079 (cited by Labcorp Genetics (formerly Invitae), Labcorp); PubMed 20624503 (cited by Labcorp Genetics (formerly Invitae), Labcorp); PubMed 22361390 (cited by Labcorp Genetics (formerly Invitae), Labcorp); PubMed 25740977 (cited by Labcorp Genetics (formerly Invitae), Labcorp); PubMed 28074886 (cited by Labcorp Genetics (formerly Invitae), Labcorp); PubMed 28356264 (cited by Labcorp Genetics (formerly Invitae), Labcorp); PubMed 29032884 (cited by Labcorp Genetics (formerly Invitae), Labcorp).

NM_000256.3(MYBPC3):c.1829A>T (p.Asp610Val)

Gene: MYBPC3 (myosin binding protein C3; minus strand). Cytogenetic location: 11p11.2.
Variant type: single nucleotide variant.
Coding change: c.1829A>T on transcript NM_000256.3 (MANE Select); coding-DNA position 1829, A replaced by T.
Protein change: p.Asp610Val; replaces aspartic acid 610 with valine.
Molecular consequence: missense variant.
Genome position (GRCh38, 1-based): chr11:47,341,206, T>A on the plus strand (A>T on the coding strand, the complement: MYBPC3 is on the minus strand). VCF-style: chr11-47341206-T-A. GRCh37 (hg19) VCF-style: chr11-47362757-T-A.
Other names: p.D610V:GAC>GTC; c.1829A>T, p.Asp610Val (LRG_386t1); short protein forms D610V.
Identifiers: ClinVar variation 180954 (VCV000180954.24), dbSNP rs730880554, ClinGen allele CA011292.